The following is an entry in ClinVar:

ClinVar aggregate classification (germline): Pathogenic (1 of 4 stars; one submission).

Conditions:
Amelocerebrohypohidrotic syndrome (KTZS). Also called: Kohlschutter's syndrome; EPILEPSY AND YELLOW TEETH; EPILEPSY, DEMENTIA, AND AMELOGENESIS IMPERFECTA; KOHLSCHUTTER SYNDROME. Identifiers: Orphanet 1946, MedGen C0406740, MONDO:0009185, OMIM 226750.

gnomAD v4.1: 3 of 1,613,720 alleles (0.00019%); highest among the groups gnomAD compares: Non-Finnish European, 0.00025%; no homozygotes.

Submission:

Labcorp Genetics (formerly Invitae), Labcorp
Classification: Pathogenic for Amelocerebrohypohidrotic syndrome. Last evaluated: 2021-06-18. Review status: criteria provided, single submitter. Criteria: Invitae Variant Classification Sherloc (09022015). Collection method: clinical testing. Allele origin: germline.
Comment: For these reasons, this variant has been classified as Pathogenic. Loss-of-function variants in ROGDI are known to be pathogenic (PMID: 22424600, 23086778). This variant has not been reported in the literature in individuals with ROGDI-related conditions. This variant is not present in population databases (ExAC no frequency). This sequence change creates a premature translational stop signal (p.Tyr134*) in the ROGDI gene. It is expected to result in an absent or disrupted protein product.

Literature cited by the submitters: PubMed 22424600; PubMed 23086778.

NM_024589.3(ROGDI):c.402C>A (p.Tyr134Ter)

Gene: ROGDI (rogdi atypical leucine zipper; minus strand). Cytogenetic location: 16p13.3.
Variant type: single nucleotide variant.
Coding change: c.402C>A on transcript NM_024589.3 (MANE Select); coding-DNA position 402, C replaced by A.
Protein change: p.Tyr134Ter; replaces tyrosine 134 with a stop codon.
Molecular consequence: nonsense. On other transcripts: non-coding transcript variant (1).
Genome position (GRCh38, 1-based): chr16:4,799,716, G>T on the plus strand (C>A on the coding strand, the complement: ROGDI is on the minus strand). VCF-style: chr16-4799716-G-T. GRCh37 (hg19) VCF-style: chr16-4849717-G-T.
Other names: short protein forms Y134*.
Identifiers: ClinVar variation 1069190 (VCV001069190.7), dbSNP rs919033318, ClinGen allele CA277137899.